The following is an entry in ClinVar:

NM_003392.7(WNT5A):c.739T>C (p.Cys247Arg)

Gene: WNT5A (Wnt family member 5A; minus strand). Cytogenetic location: 3p14.3.
Variant type: single nucleotide variant.
Coding change: c.739T>C on transcript NM_003392.7 (MANE Select); coding-DNA position 739, T replaced by C.
Protein change: p.Cys247Arg; replaces cysteine 247 with arginine.
Molecular consequence: missense variant.
Genome position (GRCh38, 1-based): chr3:55,470,496, A>G on the plus strand (T>C on the coding strand, the complement: WNT5A is on the minus strand). VCF-style: chr3-55470496-A-G. GRCh37 (hg19) VCF-style: chr3-55504524-A-G.
Other names: c.694T>C, p.Cys232Arg (NM_001256105.1, NM_001377271.1, NM_001377272.1); short protein forms C232R, C247R.
Identifiers: ClinVar variation 4854226 (VCV004854226.1).
Genomic context (GRCh38, chr3:55,470,496, plus strand): 5'-TCAGGGCATCACCCACCTTGCGGAAGTCTGCCAGCTGCAGCCAGCATGTCTTCAGGCTAC[A>G]TGAGCCGGACACCCCATGGCACTTGCAGGCCACATCAGCCAGGTTGTACACCGTCTGCAG-3'
Protein context (NP_003383.4, residues 237-257): ACKCHGVSGS[Cys247Arg]SLKTCWLQLA

ClinVar aggregate classification (germline): Uncertain significance (1 of 4 stars; one submission).

Conditions:
Autosomal dominant Robinow syndrome 1. Also called: FETAL FACE SYNDROME; Covesdem syndrome (formerly); Costovertebral segmentation defect with mesomelia (formerly); ROBINOW DWARFISM; WNT5A-Related Robinow Syndrome, Autosomal Dominant; ACRAL DYSOSTOSIS WITH FACIAL AND GENITAL ABNORMALITIES. Identifiers: Orphanet 3107, Orphanet 97360, MedGen C4551475, MONDO:0024455, OMIM 180700.

Submission:

3billion
Classification: Uncertain significance for Autosomal dominant Robinow syndrome 1. Last evaluated: 2025-10-23. Review status: criteria provided, single submitter. Criteria: ACMG Guidelines, 2015. Collection method: clinical testing. Allele origin: germline. Affected: yes.
Comment: The variant is not observed in the gnomAD v4.1.0 dataset. Predicted Consequence/Location: Missense variant. Missense changes are a common disease-causing mechanism. In silico tool predictions suggest damaging effect of the variant on gene or gene product [REVEL: 0.91 (>=0.6, sensitivity 0.68 and specificity 0.92); 3Cnet: 0.98 (> 0.75, sensitivity 0.96 and precision 0.92)]. Therefore, this variant is classified as VUS according to the recommendation of ACMG/AMP guideline.